The following is an entry in ClinVar:

NM_000465.4(BARD1):c.1678-8A>T

Gene: BARD1 (BRCA1 associated RING domain 1; minus strand). Cytogenetic location: 2q35.
Variant type: single nucleotide variant.
Coding change: c.1678-8A>T on transcript NM_000465.4 (MANE Select); 8 bases into the intron before coding-DNA position 1678, A replaced by T.
Molecular consequence: intron variant.
Genome position (GRCh38, 1-based): chr2:214,745,862, T>A on the plus strand (A>T on the coding strand, the complement: BARD1 is on the minus strand). VCF-style: chr2-214745862-T-A. GRCh37 (hg19) VCF-style: chr2-215610586-T-A.
Other names: c.268-8A>T (NM_001282548.2); c.1621-8A>T (NM_001282543.2); c.325-8A>T (NM_001282545.2); c.365-15354A>T (NM_001282549.2).
Identifiers: ClinVar variation 3379140 (VCV003379140.1).
Genomic context (GRCh38, chr2:214,745,862, plus strand): 5'-AGCCCACTGCCTATAAGTACAAGAGGTCCATCCCTACGCTGCCCAGTGTTCATCTGTTAA[T>A]ATAAAAGGAGATACCAGTGTTAAAAACATTAGACGACTAGACAAAGACATTAAACAGACT-3'

ClinVar aggregate classification (germline): Likely benign (1 of 4 stars; one submission).

Conditions:
Familial cancer of breast. Also called: hereditary breast carcinoma; Hereditary breast cancer; BREAST CANCER, FAMILIAL. Identifiers: Orphanet 227535, MedGen C0346153, MONDO:0016419, OMIM 114480. Disease mechanism: loss of function.

Submission:

Myriad Genetics, Inc.
Classification: Likely benign for Familial cancer of breast. Last evaluated: 2024-07-26. Review status: criteria provided, single submitter. Criteria: Myriad Autosomal Dominant, Autosomal Recessive and X-Linked Classification Criteria (2023). Collection method: clinical testing. Allele origin: unknown.
Comment: This variant is considered likely benign. This variant is intronic and is not expected to impact mRNA splicing.